The following is an entry in ClinVar:

ClinVar aggregate classification (germline): Uncertain significance. Review status: criteria provided, multiple submitters, no conflicts (2 of 4 stars). 2 submissions from 2 submitters: Uncertain significance (2). Last evaluated 2025-07-14.

Conditions:
Inborn genetic diseases. Identifiers: MedGen C0950123, MeSH D030342.

Allele frequency attached by ClinVar (database versions not stated): gnomAD 0.00001; ExAC 0.00002; TOPMed 0.00002; gnomAD exomes 0.00003.
gnomAD v4.1: 54 of 1,613,832 alleles (0.0033%); highest among the groups gnomAD compares: Non-Finnish European, 0.0043%; 1 homozygote.

Submissions (2):

Ambry Genetics
Classification: Uncertain significance for Inborn genetic diseases. Last evaluated: 2025-07-14. Review status: criteria provided, single submitter. Criteria: Ambry Variant Classification Scheme 2023. Collection method: clinical testing. Allele origin: germline.

Labcorp Genetics (formerly Invitae), Labcorp
Classification: Uncertain significance. Last evaluated: 2022-03-23. Review status: criteria provided, single submitter. Criteria: Invitae Variant Classification Sherloc (09022015). Collection method: clinical testing. Allele origin: germline.
Comment: In summary, the available evidence is currently insufficient to determine the role of this variant in disease. Therefore, it has been classified as a Variant of Uncertain Significance. Algorithms developed to predict the effect of missense changes on protein structure and function are either unavailable or do not agree on the potential impact of this missense change (SIFT: "Deleterious"; PolyPhen-2: "Possibly Damaging"; Align-GVGD: "Class C0"). This variant has not been reported in the literature in individuals affected with CREB3L1-related conditions. This variant is present in population databases (rs764216900, gnomAD 0.004%). This sequence change replaces valine, which is neutral and non-polar, with phenylalanine, which is neutral and non-polar, at codon 384 of the CREB3L1 protein (p.Val384Phe).

NM_052854.4(CREB3L1):c.1150G>T (p.Val384Phe)

Gene: CREB3L1 (cAMP responsive element binding protein 3 like 1; plus strand). Cytogenetic location: 11p11.2.
Variant type: single nucleotide variant.
Coding change: c.1150G>T on transcript NM_052854.4 (MANE Select); coding-DNA position 1150, G replaced by T.
Protein change: p.Val384Phe; replaces valine 384 with phenylalanine.
Molecular consequence: missense variant.
Genome position (GRCh38, 1-based): chr11:46,317,379, G>T. VCF-style: chr11-46317379-G-T. GRCh37 (hg19) VCF-style: chr11-46338930-G-T.
Other names: c.1150G>T (NM_052854.2); short protein forms V384F.
Identifiers: ClinVar variation 2189006 (VCV002189006.4), dbSNP rs764216900, ClinGen allele CA5961796.